The following is an entry in ClinVar:

NM_004519.4(KCNQ3):c.924G>T (p.Trp308Cys)

Gene: KCNQ3 (potassium voltage-gated channel subfamily Q member 3; minus strand). Cytogenetic location: 8q24.22.
Variant type: single nucleotide variant.
Coding change: c.924G>T on transcript NM_004519.4 (MANE Select); coding-DNA position 924, G replaced by T.
Protein change: p.Trp308Cys; replaces tryptophan 308 with cysteine.
Molecular consequence: missense variant.
Genome position (GRCh38, 1-based): chr8:132,175,462, C>A on the plus strand (G>T on the coding strand, the complement: KCNQ3 is on the minus strand). VCF-style: chr8-132175462-C-A. GRCh37 (hg19) VCF-style: chr8-133187709-C-A.
Other names: c.564G>T, p.Trp188Cys (NM_001204824.2); short protein forms W188C, W308C.
Identifiers: ClinVar variation 2050378 (VCV002050378.8), dbSNP rs1554627423, ClinGen allele CA372290310.

ClinVar aggregate classification (germline): Conflicting classifications of pathogenicity. Review status: criteria provided, conflicting classifications (1 of 4 stars). 2 submissions from 2 submitters: Likely pathogenic (1); Uncertain significance (1). Last evaluated 2026-01-01.

Conditions:
Benign neonatal seizures. Also called: Benign familial neonatal epilepsy; Benign familial neonatal seizures; Benign neonatal familial convulsions; Convulsions benign familial neonatal dominant form; Autosomal dominant form of benign neonatal seizures. Identifiers: Orphanet 1949, MedGen C0220669, MONDO:0016027.

Submissions (2):

CeGaT Center for Human Genetics Tuebingen
Classification: Likely pathogenic. Last evaluated: 2026-01-01. Review status: criteria provided, single submitter. Criteria: CeGaT Center For Human Genetics Tuebingen Variant Classification Criteria Version 2. Collection method: clinical testing. Allele origin: germline. Affected: yes. Observed: 1 variant allele.
Comment: KCNQ3: PM2, PM5, PP2, PP3

Labcorp Genetics (formerly Invitae), Labcorp
Classification: Uncertain significance for Benign neonatal seizures. Last evaluated: 2022-03-28. Review status: criteria provided, single submitter. Criteria: Invitae Variant Classification Sherloc (09022015). Collection method: clinical testing. Allele origin: germline.
Comment: This variant is not present in population databases (gnomAD no frequency). In summary, the available evidence is currently insufficient to determine the role of this variant in disease. Therefore, it has been classified as a Variant of Uncertain Significance. This variant disrupts the p.Trp308 amino acid residue in KCNQ3. Other variant(s) that disrupt this residue have been observed in individuals with KCNQ3-related conditions (PMID: 27888506), which suggests that this may be a clinically significant amino acid residue. Advanced modeling of protein sequence and biophysical properties (such as structural, functional, and spatial information, amino acid conservation, physicochemical variation, residue mobility, and thermodynamic stability) performed at Invitae indicates that this missense variant is expected to disrupt KCNQ3 protein function. This missense change has been observed in individual(s) with epileptic encephalopathy (Invitae). This sequence change replaces tryptophan, which is neutral and slightly polar, with cysteine, which is neutral and slightly polar, at codon 308 of the KCNQ3 protein (p.Trp308Cys).

Literature cited by the submitters: PubMed 27888506 (cited by Labcorp Genetics (formerly Invitae), Labcorp).